The following is an entry in ClinVar:

ClinVar aggregate classification (germline): Uncertain significance. Review status: criteria provided, multiple submitters, no conflicts (2 of 4 stars). 2 submissions from 2 submitters: Uncertain significance (2). Last evaluated 2024-06-11.

Conditions:
Atypical hemolytic-uremic syndrome with C3 anomaly. Also called: AHUS, SUSCEPTIBILITY TO, 5. Identifiers: Orphanet 2134, MedGen C2752037, MONDO:0013043, OMIM 612925.
Complement component 3 deficiency. Identifiers: Orphanet 280133, MedGen C3151071, MONDO:0013417, OMIM 613779.
Age related macular degeneration 9. Identifiers: MedGen C1969651, MONDO:0012659, OMIM 611378.

Allele frequency attached by ClinVar (database versions not stated): gnomAD 0.00001; ExAC 0.00002.
gnomAD v4.1: 15 of 1,613,612 alleles (0.00093%); highest among the groups gnomAD compares: South Asian, 0.0044%; no homozygotes.

Submissions (2):

Fulgent Genetics
Classification: Uncertain significance for Age related macular degeneration 9; Atypical hemolytic-uremic syndrome with C3 anomaly; Complement component 3 deficiency. Last evaluated: 2024-06-11. Review status: criteria provided, single submitter. Criteria: ACMG Guidelines, 2015. Collection method: clinical testing. Allele origin: germline.

Labcorp Genetics (formerly Invitae), Labcorp
Classification: Uncertain significance. Last evaluated: 2024-02-11. Review status: criteria provided, single submitter. Criteria: Invitae Variant Classification Sherloc (09022015). Collection method: clinical testing. Allele origin: germline.
Comment: This sequence change replaces serine, which is neutral and polar, with leucine, which is neutral and non-polar, at codon 297 of the C3 protein (p.Ser297Leu). This variant is present in population databases (rs753979097, gnomAD 0.003%). This variant has not been reported in the literature in individuals affected with C3-related conditions. ClinVar contains an entry for this variant (Variation ID: 1952070). Advanced modeling of protein sequence and biophysical properties (such as structural, functional, and spatial information, amino acid conservation, physicochemical variation, residue mobility, and thermodynamic stability) performed at Invitae indicates that this missense variant is not expected to disrupt C3 protein function with a negative predictive value of 80%. In summary, the available evidence is currently insufficient to determine the role of this variant in disease. Therefore, it has been classified as a Variant of Uncertain Significance.

NM_000064.4(C3):c.890C>T (p.Ser297Leu)

Gene: C3 (complement C3; minus strand). Cytogenetic location: 19p13.3.
Variant type: single nucleotide variant.
Coding change: c.890C>T on transcript NM_000064.4 (MANE Select); coding-DNA position 890, C replaced by T.
Protein change: p.Ser297Leu; replaces serine 297 with leucine.
Molecular consequence: missense variant.
Genome position (GRCh38, 1-based): chr19:6,713,302, G>A on the plus strand (C>T on the coding strand, the complement: C3 is on the minus strand). VCF-style: chr19-6713302-G-A. GRCh37 (hg19) VCF-style: chr19-6713313-G-A.
Other names: short protein forms S297L.
Identifiers: ClinVar variation 1952070 (VCV001952070.6), dbSNP rs753979097, ClinGen allele CA9129626.
Genomic context (GRCh38, chr19:6,713,302, plus strand): 5'-TCTGCTCGGGGGTTCTGCACCCCGTCCAGCAGTACCTTCCGGCTCAGCACAACCTCCCCC[G>A]AGCCATCCTCAATCTGAGAAGGGAGAGGAGGGCTCAGAGAGGGGAGCGGGCTCAGAGGTG-3'
Protein context (NP_000055.2, residues 287-307): SLKRIPIEDG[Ser297Leu]GEVVLSRKVL